The following is an entry in ClinVar:

NM_000355.4(TCN2):c.1063G>A (p.Val355Met)

Gene: TCN2 (transcobalamin 2; plus strand). Cytogenetic location: 22q12.2.
Variant type: single nucleotide variant.
Coding change: c.1063G>A on transcript NM_000355.4 (MANE Select); coding-DNA position 1063, G replaced by A.
Protein change: p.Val355Met; replaces valine 355 with methionine.
Molecular consequence: missense variant.
Genome position (GRCh38, 1-based): chr22:30,617,452, G>A. VCF-style: chr22-30617452-G-A. GRCh37 (hg19) VCF-style: chr22-31013439-G-A.
Other names: c.982G>A, p.Val328Met (NM_001184726.2); short protein forms V355M, V328M.
Identifiers: ClinVar variation 903098 (VCV000903098.11), dbSNP rs780429477, ClinGen allele CA10184952.
Genomic context (GRCh38, chr22:30,617,452, plus strand): 5'-CAGGTGCTTAGTCTCTTGCCGCCGTACAGACAGTCCATCTCTGTTCTGGCCGGGTCCACC[G>A]TGGAAGATGTCCTGAAGAAGGCCCATGAGTTAGGAGGATTCACGTGAGACTCCCACCTCC-3'
Protein context (NP_000346.2, residues 345-365): QSISVLAGST[Val355Met]EDVLKKAHEL

ClinVar aggregate classification (germline): Uncertain significance. Review status: criteria provided, multiple submitters, no conflicts (2 of 4 stars). 3 submissions from 3 submitters: Uncertain significance (3). Last evaluated 2025-04-11.

Conditions:
Transcobalamin II deficiency (TCN2D). Also called: Transcolabamin II deficiency; TC II DEFICIENCY; TCN2 DEFICIENCY. Identifiers: Orphanet 859, MedGen C0342701, MONDO:0010149, OMIM 275350.
Inborn genetic diseases. Identifiers: MedGen C0950123, MeSH D030342.

Allele frequency attached by ClinVar (database versions not stated): TOPMed 0.00002; gnomAD 0.00003; gnomAD exomes 0.00003 and 0.00006; ExAC 0.00005.
gnomAD v4.1: 53 of 1,614,006 alleles (0.0033%); highest among the groups gnomAD compares: Middle Eastern, 0.033%; no homozygotes.

Submissions (3):

Ambry Genetics
Classification: Uncertain significance for Inborn genetic diseases. Last evaluated: 2025-04-11. Review status: criteria provided, single submitter. Criteria: Ambry Variant Classification Scheme 2023. Collection method: clinical testing. Allele origin: germline.

Labcorp Genetics (formerly Invitae), Labcorp
Classification: Uncertain significance for Transcobalamin II deficiency. Last evaluated: 2024-10-17. Review status: criteria provided, single submitter. Criteria: Invitae Variant Classification Sherloc (09022015). Collection method: clinical testing. Allele origin: germline.
Comment: This sequence change replaces valine, which is neutral and non-polar, with methionine, which is neutral and non-polar, at codon 355 of the TCN2 protein (p.Val355Met). This variant is present in population databases (rs780429477, gnomAD 0.02%). This variant has not been reported in the literature in individuals affected with TCN2-related conditions. ClinVar contains an entry for this variant (Variation ID: 903098). Invitae Evidence Modeling of protein sequence and biophysical properties (such as structural, functional, and spatial information, amino acid conservation, physicochemical variation, residue mobility, and thermodynamic stability) indicates that this missense variant is not expected to disrupt TCN2 protein function with a negative predictive value of 80%. In summary, the available evidence is currently insufficient to determine the role of this variant in disease. Therefore, it has been classified as a Variant of Uncertain Significance.

Illumina Laboratory Services, Illumina
Classification: Uncertain significance for Transcobalamin II deficiency. Last evaluated: 2018-01-12. Review status: criteria provided, single submitter. Criteria: ICSL Variant Classification Criteria 13 December 2019. Collection method: clinical testing. Allele origin: germline.